The following is an entry in ClinVar:

ClinVar aggregate classification (germline): Benign/Likely benign. Review status: criteria provided, multiple submitters, no conflicts (2 of 4 stars). 8 submissions from 7 submitters: Benign (6); Likely benign (2). Last evaluated 2026-02-03.

Conditions:
Usher syndrome type 2A. Also called: USHER SYNDROME, TYPE IIA; RETINAL DISEASE IN USHER SYNDROME TYPE IIA, MODIFIER OF. Identifiers: Orphanet 231178, Orphanet 886, MedGen C1848634, MONDO:0010169, OMIM 276901.
Retinitis pigmentosa 39 (RP39). Identifiers: Orphanet 791, MedGen C3151138, MONDO:0013436, OMIM 613809.

Allele frequency attached by ClinVar (database versions not stated): gnomAD exomes 0.00038 and 0.00105; ExAC 0.00132; gnomAD 0.00391 and 0.00418; ESP Exome Variant Server 0.00446; TOPMed 0.00513; 1000 Genomes Project 30x 0.00437; 1000 Genomes Project 0.00439.
gnomAD v4.1: 1,167 of 1,614,112 alleles (0.072%); highest among the groups gnomAD compares: African/African-American, 1.3%; 5 homozygotes.

Submissions (8):

Labcorp Genetics (formerly Invitae), Labcorp
Classification: Benign. Last evaluated: 2026-02-03. Review status: criteria provided, single submitter. Criteria: Invitae Variant Classification Sherloc (09022015). Collection method: clinical testing. Allele origin: germline.

CeGaT Center for Human Genetics Tuebingen
Classification: Likely benign. Last evaluated: 2025-05-01. Review status: criteria provided, single submitter. Criteria: CeGaT Center For Human Genetics Tuebingen Variant Classification Criteria Version 2. Collection method: clinical testing. Allele origin: germline. Affected: yes. Observed: 1 variant allele.
Comment: USH2A: BP4, BP7, BS1

Blueprint Genetics
Classification: Likely benign. Last evaluated: 2024-07-09. Review status: criteria provided, single submitter. Criteria: ACMG Guidelines, 2015. Collection method: clinical testing. Allele origin: germline.

Genome-Nilou Lab
Classification: Benign for Retinitis pigmentosa 39. Last evaluated: 2023-11-04. Review status: criteria provided, single submitter. Criteria: ACMG Guidelines, 2015. Collection method: clinical testing. Allele origin: germline. Affected: no.

Genome-Nilou Lab
Classification: Benign for Usher syndrome type 2A. Last evaluated: 2023-11-04. Review status: criteria provided, single submitter. Criteria: ACMG Guidelines, 2015. Collection method: clinical testing. Allele origin: germline. Affected: no.

Athena Diagnostics
Classification: Benign. Last evaluated: 2019-02-11. Review status: criteria provided, single submitter. Criteria: Athena Diagnostics Criteria. Collection method: clinical testing. Allele origin: germline.

GeneDx
Classification: Benign. Last evaluated: 2015-03-03. Review status: criteria provided, single submitter. Criteria: GeneDx Variant Classification Process June 2021. Collection method: clinical testing. Allele origin: germline. Affected: yes.

Laboratory for Molecular Medicine, Mass General Brigham Personalized Medicine
Classification: Benign. Last evaluated: 2013-11-26. Review status: criteria provided, single submitter. Criteria: LMM Criteria. Collection method: clinical testing. Allele origin: germline. Observed: 5 variant alleles.
Comment: Leu3932Leu in exon 61 of USH2A: This variant is not expected to have clinical s ignificance because it has been identified in 1.3% (58/4406) African American ch romosomes by the Exome Sequencing Project (rs111033505)

NM_206933.4(USH2A):c.11794C>T (p.Leu3932=)

Gene: USH2A (usherin; minus strand). Cytogenetic location: 1q41.
Variant type: single nucleotide variant.
Coding change: c.11794C>T on transcript NM_206933.4 (MANE Select); coding-DNA position 11794, C replaced by T.
Protein change: p.Leu3932=; no amino-acid change (leucine 3932 retained).
Molecular consequence: synonymous variant.
Genome position (GRCh38, 1-based): chr1:215,728,302, G>A on the plus strand (C>T on the coding strand, the complement: USH2A is on the minus strand). VCF-style: chr1-215728302-G-A. GRCh37 (hg19) VCF-style: chr1-215901644-G-A.
Identifiers: ClinVar variation 48382 (VCV000048382.30), dbSNP rs111033505, ClinGen allele CA143269.